The following is an entry in ClinVar:

NM_170606.3(KMT2C):c.10266_10267del (p.Arg3423fs)

Gene: KMT2C (lysine methyltransferase 2C; minus strand). Cytogenetic location: 7q36.1.
Variant type: Deletion.
Coding change: c.10266_10267del on transcript NM_170606.3 (MANE Select); coding-DNA positions 10266 to 10267, 2 bases deleted (AA; older notation c.10266_10267delAA).
Protein change: p.Arg3423fs; shifts the reading frame from arginine 3423.
Molecular consequence: frameshift variant.
Genome position (GRCh38, 1-based): chr7:152,163,310-152,163,311, TT deleted on the plus strand (AA on the coding strand, the reverse complement: KMT2C is on the minus strand); deleting any 2 consecutive bases within chr7:152,163,310-152,163,312 gives the same sequence; the c. name uses the placement nearest the transcript's 3' end. VCF-style (leftmost placement, unchanged base first): chr7-152163309-CTT-C. GRCh37 (hg19) VCF-style: chr7-151860394-CTT-C.
Other names: short protein forms R3423fs.
Identifiers: ClinVar variation 2572190 (VCV002572190.1), dbSNP rs2487691264, ClinGen allele CA2580614291.

ClinVar aggregate classification (germline): Pathogenic (1 of 4 stars; one submission).

Conditions:
Kleefstra syndrome 2 (KLEFS2). Identifiers: MedGen C4540395, MONDO:0054701, OMIM 617768.

Submission:

Greenwood Genetic Center Diagnostic Laboratories, Greenwood Genetic Center
Classification: Pathogenic for Kleefstra syndrome 2. Last evaluated: 2023-04-04. Review status: criteria provided, single submitter. Criteria: ACMG Guidelines, 2015. Collection method: clinical testing. Allele origin: germline. Affected: yes.
Comment: PVS1, PS2, PM2